The following is an entry in ClinVar:

ClinVar aggregate classification (germline): Pathogenic (1 of 4 stars; one submission).

Conditions:
Congenital myasthenic syndrome 4A. Also called: MYASTHENIC SYNDROME, CONGENITAL, 4A, SLOW-CHANNEL, AUTOSOMAL RECESSIVE; Myasthenic syndrome, congenital, 4a, slow-channel; CONGENITAL MYASTHENIC SYNDROME TYPE Ia1. Identifiers: Orphanet 590, MedGen C4225413, MONDO:0011600, OMIM 605809.

Submission:

Labcorp Genetics (formerly Invitae), Labcorp
Classification: Pathogenic for Congenital myasthenic syndrome 4A. Last evaluated: 2022-09-26. Review status: criteria provided, single submitter. Criteria: Invitae Variant Classification Sherloc (09022015). Collection method: clinical testing. Allele origin: germline.
Comment: For these reasons, this variant has been classified as Pathogenic. This variant has not been reported in the literature in individuals affected with CHRNE-related conditions. This variant is not present in population databases (gnomAD no frequency). This sequence change creates a premature translational stop signal (p.Ser135Trpfs*68) in the CHRNE gene. It is expected to result in an absent or disrupted protein product. Loss-of-function variants in CHRNE are known to be pathogenic (PMID: 22678886).

Literature cited by the submitters: PubMed 22678886.

NM_000080.4(CHRNE):c.400_403dup (p.Ser135fs)

Genes: C17orf107 (chromosome 17 open reading frame 107; plus strand), CHRNE (cholinergic receptor nicotinic epsilon subunit; minus strand). Cytogenetic location: 17p13.2.
Variant type: Duplication.
Coding change: c.400_403dup on transcript NM_000080.4 (MANE Select); coding-DNA positions 400 to 403, 4 bases duplicated (GGCT; older notation c.400_403dupGGCT).
Protein change: p.Ser135fs; shifts the reading frame from serine 135.
Molecular consequence: frameshift variant. On other transcripts: 3 prime UTR variant (1).
Genome position (GRCh38, 1-based): chr17:4,902,029-4,902,032, AGCC duplicated on the plus strand (GGCT on the coding strand, the reverse complement: CHRNE is on the minus strand). VCF-style (leftmost placement, unchanged base first): chr17-4902028-G-GAGCC. GRCh37 (hg19) VCF-style: chr17-4805323-G-GAGCC.
Other names: c.*1496_*1499dup (NM_001145536.2); short protein forms S135fs.
Identifiers: ClinVar variation 2032611 (VCV002032611.4), dbSNP rs2507560440, ClinGen allele CA2580093576.